The following is an entry in ClinVar:

ClinVar aggregate classification (germline): Uncertain significance (1 of 4 stars; one submission).

Conditions:
Dilated cardiomyopathy 1JJ (CMD1JJ). Identifiers: Orphanet 154, MedGen C3808935, MONDO:0014095, OMIM 615235.

Submission:

Labcorp Genetics (formerly Invitae), Labcorp
Classification: Uncertain significance for Dilated cardiomyopathy 1JJ. Last evaluated: 2022-09-21. Review status: criteria provided, single submitter. Criteria: Invitae Variant Classification Sherloc (09022015). Collection method: clinical testing. Allele origin: germline.
Comment: This variant has not been reported in the literature in individuals affected with LAMA4-related conditions. This variant is not present in population databases (gnomAD no frequency). This sequence change replaces phenylalanine, which is neutral and non-polar, with cysteine, which is neutral and slightly polar, at codon 1516 of the LAMA4 protein (p.Phe1516Cys). Algorithms developed to predict the effect of missense changes on protein structure and function are either unavailable or do not agree on the potential impact of this missense change (SIFT: "Deleterious"; PolyPhen-2: "Probably Damaging"; Align-GVGD: "Class C0"). In summary, the available evidence is currently insufficient to determine the role of this variant in disease. Therefore, it has been classified as a Variant of Uncertain Significance.

NM_001105206.3(LAMA4):c.4568T>G (p.Phe1523Cys)

Gene: LAMA4 (laminin subunit alpha 4; minus strand). Cytogenetic location: 6q21.
Variant type: single nucleotide variant.
Coding change: c.4568T>G on transcript NM_001105206.3 (MANE Select); coding-DNA position 4568, T replaced by G.
Protein change: p.Phe1523Cys; replaces phenylalanine 1523 with cysteine.
Molecular consequence: missense variant.
Genome position (GRCh38, 1-based): chr6:112,120,380, A>C on the plus strand (T>G on the coding strand, the complement: LAMA4 is on the minus strand). VCF-style: chr6-112120380-A-C. GRCh37 (hg19) VCF-style: chr6-112441583-A-C.
Other names: c.4547T>G, p.Phe1516Cys (NM_001105207.3, NM_002290.5); short protein forms F1516C, F1523C.
Identifiers: ClinVar variation 1719865 (VCV001719865.5), dbSNP rs2546976980, ClinGen allele CA365369611.